The following is an entry in ClinVar:

NM_000051.4(ATM):c.6808-20A>T

Genes: ATM (ATM serine/threonine kinase; plus strand), C11orf65 (chromosome 11 open reading frame 65; minus strand). Cytogenetic location: 11q22.3.
Variant type: single nucleotide variant.
Coding change: c.6808-20A>T on transcript NM_000051.4 (MANE Select); 20 bases into the intron before coding-DNA position 6808, A replaced by T.
Molecular consequence: intron variant.
Genome position (GRCh38, 1-based): chr11:108,326,038, A>T. VCF-style: chr11-108326038-A-T. GRCh37 (hg19) VCF-style: chr11-108196765-A-T.
Other names: c.6808-20A>T (NM_001351834.2); c.641-16967T>A (NM_001330368.2); c.*38+9182T>A (NM_001351110.2).
Identifiers: ClinVar variation 3254105 (VCV003254105.3), dbSNP rs1240565463.

ClinVar aggregate classification (germline): Likely benign. Review status: criteria provided, multiple submitters, no conflicts (2 of 4 stars). 2 submissions from 2 submitters: Likely benign (2). Last evaluated 2025-04-13.

Conditions:
Familial cancer of breast. Also called: hereditary breast carcinoma; BREAST CANCER, FAMILIAL; Hereditary breast cancer. Identifiers: Orphanet 227535, MedGen C0346153, MONDO:0016419, OMIM 114480. Disease mechanism: loss of function.
Ataxia-telangiectasia syndrome (AT). Also called: AT, COMPLEMENTATION GROUP C; Ataxia-telangiectasia, complementation group D; ATAXIA-TELANGIECTASIA, COMPLEMENTATION GROUP A; ATAXIA-TELANGIECTASIA, FRESNO VARIANT; Ataxia-telangiectasia; Ataxia-telangiectasia, complementation group E. Identifiers: Orphanet 100, MedGen C0004135, MONDO:0008840, OMIM 208900.

Submissions (2):

Labcorp Genetics (formerly Invitae), Labcorp
Classification: Likely benign for Ataxia-telangiectasia syndrome. Last evaluated: 2025-04-13. Review status: criteria provided, single submitter. Criteria: Invitae Variant Classification Sherloc (09022015). Collection method: clinical testing. Allele origin: germline.

Myriad Genetics, Inc.
Classification: Likely benign for Familial cancer of breast. Last evaluated: 2024-06-12. Review status: criteria provided, single submitter. Criteria: Myriad Autosomal Dominant, Autosomal Recessive and X-Linked Classification Criteria (2023). Collection method: clinical testing. Allele origin: unknown.
Comment: This variant is considered likely benign. This variant is intronic and is not expected to impact mRNA splicing.